The following is an entry in ClinVar:

NM_138701.4(MPLKIP):c.173C>T (p.Ser58Phe)

Genes: MPLKIP (M-phase specific PLK1 interacting protein; minus strand), LOC129998295 (ATAC-STARR-seq lymphoblastoid silent region 18117; plus strand). Cytogenetic location: 7p14.1.
Variant type: single nucleotide variant.
Coding change: c.173C>T on transcript NM_138701.4 (MANE Select); coding-DNA position 173, C replaced by T.
Protein change: p.Ser58Phe; replaces serine 58 with phenylalanine.
Molecular consequence: missense variant.
Genome position (GRCh38, 1-based): chr7:40,134,395, G>A on the plus strand (C>T on the coding strand, the complement: MPLKIP is on the minus strand). VCF-style: chr7-40134395-G-A. GRCh37 (hg19) VCF-style: chr7-40173994-G-A.
Other names: c.173C>T (NM_138701.3); short protein forms S58F.
Identifiers: ClinVar variation 2094635 (VCV002094635.5), dbSNP rs979153497, ClinGen allele CA367308395.

ClinVar aggregate classification (germline): Uncertain significance. Review status: criteria provided, multiple submitters, no conflicts (2 of 4 stars). 2 submissions from 2 submitters: Uncertain significance (2). Last evaluated 2025-06-07.

Conditions:
Inborn genetic diseases. Identifiers: MedGen C0950123, MeSH D030342.

gnomAD v4.1: 3 of 1,561,910 alleles (0.00019%); highest among the groups gnomAD compares: South Asian, 0.0035%; no homozygotes.

Submissions (2):

Ambry Genetics
Classification: Uncertain significance for Inborn genetic diseases. Last evaluated: 2025-06-07. Review status: criteria provided, single submitter. Criteria: Ambry Variant Classification Scheme 2023. Collection method: clinical testing. Allele origin: germline.

Labcorp Genetics (formerly Invitae), Labcorp
Classification: Uncertain significance. Last evaluated: 2022-03-26. Review status: criteria provided, single submitter. Criteria: Invitae Variant Classification Sherloc (09022015). Collection method: clinical testing. Allele origin: germline.
Comment: In summary, the available evidence is currently insufficient to determine the role of this variant in disease. Therefore, it has been classified as a Variant of Uncertain Significance. Algorithms developed to predict the effect of missense changes on protein structure and function (SIFT, PolyPhen-2, Align-GVGD) all suggest that this variant is likely to be tolerated. This variant has not been reported in the literature in individuals affected with MPLKIP-related conditions. This variant is present in population databases (no rsID available, gnomAD 0.004%). This sequence change replaces serine, which is neutral and polar, with phenylalanine, which is neutral and non-polar, at codon 58 of the MPLKIP protein (p.Ser58Phe).